The following is an entry in ClinVar:

ClinVar aggregate classification (germline): Uncertain significance (1 of 4 stars; one submission).

Conditions:
Inborn genetic diseases. Identifiers: MedGen C0950123, MeSH D030342.

Submission:

Ambry Genetics
Classification: Uncertain significance for Inborn genetic diseases. Last evaluated: 2025-09-19. Review status: criteria provided, single submitter. Criteria: Ambry Variant Classification Scheme 2023. Collection method: clinical testing. Allele origin: germline.
Comment: The p.R264G variant (also known as c.790C>G), located in coding exon 1 of the CEBPA gene, results from a C to G substitution at nucleotide position 790. The arginine at codon 264 is replaced by glycine, an amino acid with dissimilar properties. This amino acid position is conserved. In addition, this alteration is predicted to be tolerated by in silico analysis. Based on the available evidence, the clinical significance of this variant remains unclear.

NM_004364.5(CEBPA):c.790C>G (p.Arg264Gly)

Gene: CEBPA (CCAAT enhancer binding protein alpha; minus strand). Cytogenetic location: 19q13.11.
Variant type: single nucleotide variant.
Coding change: c.790C>G on transcript NM_004364.5 (MANE Select); coding-DNA position 790, C replaced by G.
Protein change: p.Arg264Gly; replaces arginine 264 with glycine.
Molecular consequence: missense variant.
Genome position (GRCh38, 1-based): chr19:33,301,625, G>C on the plus strand (C>G on the coding strand, the complement: CEBPA is on the minus strand). VCF-style: chr19-33301625-G-C. GRCh37 (hg19) VCF-style: chr19-33792531-G-C.
Other names: c.433C>G, p.Arg145Gly (NM_001285829.2); c.895C>G, p.Arg299Gly (NM_001287424.2); c.748C>G, p.Arg250Gly (NM_001287435.2); short protein forms R145G, R299G, R250G, R264G.
Identifiers: ClinVar variation 4610951 (VCV004610951.1).